The following is an entry in ClinVar:

ClinVar aggregate classification (germline): Likely benign. Review status: criteria provided, multiple submitters, no conflicts (2 of 4 stars). 2 submissions from 2 submitters: Likely benign (2). Last evaluated 2018-01-12.

Conditions:
Cardiac arrhythmia, ankyrin-B-related. Also called: ANKYRIN-B SYNDROME. Identifiers: Orphanet 101016, Orphanet 768, MedGen C1970119, MONDO:0010958, OMIM 600919.

Allele frequency attached by ClinVar (database versions not stated): 1000 Genomes Project 0.00200; gnomAD 0.00530 and 0.00551; TOPMed 0.00598; gnomAD exomes 0.00158; 1000 Genomes Project 30x 0.00187.
gnomAD v4.1: 812 of 152,984 alleles (0.53%); highest among the groups gnomAD compares: Non-Finnish European, 0.85%; 3 homozygotes.

Submissions (2):

Illumina Laboratory Services, Illumina
Classification: Likely benign for Cardiac arrhythmia, ankyrin-B-related. Last evaluated: 2018-01-12. Review status: criteria provided, single submitter. Criteria: ICSL Variant Classification Criteria 13 December 2019. Collection method: clinical testing. Allele origin: germline.
Comment: This variant was observed in the ICSL laboratory as part of a predisposition screen in an ostensibly healthy population. It had not been previously curated by ICSL or reported in the Human Gene Mutation Database (HGMD: prior to June 1st, 2018), and was therefore a candidate for classification through an automated scoring system. Utilizing variant allele frequency, disease prevalence and penetrance estimates, and inheritance mode, an automated score was calculated to assess if this variant is too frequent to cause the disease. Based on the score and internal cut-off values, a variant classified as likely benign is not then subjected to further curation. The score for this variant resulted in a classification of likely benign for this disease.

Breakthrough Genomics
Classification: Likely benign. Review status: criteria provided, single submitter. Criteria: ACMG Guidelines, 2015. Collection method: not provided. Allele origin: germline. Inheritance: Autosomal dominant inheritance. Affected: yes.

NM_001148.6(ANK2):c.*906G>A

Gene: ANK2 (ankyrin 2; plus strand). Cytogenetic location: 4q26.
Variant type: single nucleotide variant.
Coding change: c.*906G>A on transcript NM_001148.6 (MANE Select); 906 bases downstream of the stop codon, G replaced by A.
Molecular consequence: 3 prime UTR variant.
Genome position (GRCh38, 1-based): chr4:113,382,377, G>A. VCF-style: chr4-113382377-G-A. GRCh37 (hg19) VCF-style: chr4-114303533-G-A.
Other names: c.*906G>A (NM_001127493.3, NM_001354225.2, NM_001354228.2 and 67 more transcripts); c.*737G>A (NM_001386174.1, NM_001386175.1).
Identifiers: ClinVar variation 899522 (VCV000899522.5), dbSNP rs41279313, ClinGen allele CA103831520.